The following is an entry in ClinVar:

ClinVar aggregate classification (germline): Uncertain significance (1 of 4 stars; one submission).

Allele frequency attached by ClinVar (database versions not stated): TOPMed below 0.00001.

Submission:

Greenwood Genetic Center Diagnostic Laboratories, Greenwood Genetic Center
Classification: Uncertain significance. Last evaluated: 2023-12-12. Review status: criteria provided, single submitter. Criteria: ACMG Guidelines, 2015. Collection method: clinical testing. Allele origin: germline. Affected: yes.
Comment: PM2

NM_001104631.2(PDE4D):c.398G>A (p.Arg133Gln)

Gene: PDE4D (phosphodiesterase 4D; minus strand). Cytogenetic location: 5q12.1.
Variant type: single nucleotide variant.
Coding change: c.398G>A on transcript NM_001104631.2 (MANE Select); coding-DNA position 398, G replaced by A.
Protein change: p.Arg133Gln; replaces arginine 133 with glutamine.
Molecular consequence: missense variant. On other transcripts: intron variant (5).
Genome position (GRCh38, 1-based): chr5:59,893,225, C>T on the plus strand (G>A on the coding strand, the complement: PDE4D is on the minus strand). VCF-style: chr5-59893225-C-T. GRCh37 (hg19) VCF-style: chr5-59189052-C-T.
Other names: c.272+95263G>A (NM_001364599.1, NM_001165899.2, NM_001364600.2); c.-240+95263G>A (NM_001349243.2); c.242+95263G>A (NM_001349241.2); short protein forms R133Q.
Identifiers: ClinVar variation 2692498 (VCV002692498.1), dbSNP rs1751222946, ClinGen allele CA359932463.